The following is an entry in ClinVar:

ClinVar aggregate classification (germline): Likely benign (1 of 4 stars; one submission).

Submission:

GeneDx
Classification: Likely benign. Last evaluated: 2018-02-21. Review status: criteria provided, single submitter. Criteria: GeneDx Variant Classification (06012015). Collection method: clinical testing. Allele origin: germline. Affected: yes.
Comment: This variant is considered likely benign or benign based on one or more of the following criteria: it is a conservative change, it occurs at a poorly conserved position in the protein, it is predicted to be benign by multiple in silico algorithms, and/or has population frequency not consistent with disease.

NM_019892.5(INPP5E):c.1159+7_1159+8ins18

Gene: INPP5E (inositol polyphosphate-5-phosphatase E; minus strand). Cytogenetic location: 9q34.3.
Variant type: Insertion.
Coding change: c.1159+7_1159+8ins18 on transcript NM_019892.5; bases 7 to 8 of the intron after coding-DNA position 1159, an insertion.
Identifiers: ClinVar variation 515670 (VCV000515670.1).